The following is an entry in ClinVar:

NC_000002.11:g.(?_96959198)_(96961039_?)del

Gene: SNRNP200 (small nuclear ribonucleoprotein U5 subunit 200; minus strand). Cytogenetic location: 2q11.2.
Variant type: Deletion.
Identifiers: ClinVar variation 2425882 (VCV002425882.4).

ClinVar aggregate classification (germline): Uncertain significance (1 of 4 stars; one submission).

Submission:

Labcorp Genetics (formerly Invitae), Labcorp
Classification: Uncertain significance. Last evaluated: 2022-11-22. Review status: criteria provided, single submitter. Criteria: Invitae Variant Classification Sherloc (09022015). Collection method: clinical testing. Allele origin: germline.
Comment: In summary, the available evidence is currently insufficient to determine the role of this variant in disease. Therefore, it has been classified as a Variant of Uncertain Significance. Experimental studies and prediction algorithms are not available or were not evaluated, and the functional significance of this variant is currently unknown. This variant has not been reported in the literature in individuals affected with SNRNP200-related conditions. This variant results in the deletion of part of exon 15 (c.1842+187_1892del) of the SNRNP200 gene. It is expected to disrupt RNA splicing. Variants that disrupt the donor or acceptor splice site typically lead to a loss of protein function (PMID: 16199547), however the current clinical and genetic evidence is not sufficient to establish whether loss-of-function variants in SNRNP200 cause disease.

Literature cited by the submitters: PubMed 16199547.